The following is an entry in ClinVar:

ClinVar aggregate classification (germline): Pathogenic (1 of 4 stars; one submission).

Submission:

Labcorp Genetics (formerly Invitae), Labcorp
Classification: Pathogenic. Last evaluated: 2023-03-08. Review status: criteria provided, single submitter. Criteria: Invitae Variant Classification Sherloc (09022015). Collection method: clinical testing. Allele origin: germline.
Comment: This sequence change creates a premature translational stop signal (p.Gln561Profs*5) in the ITGB4 gene. It is expected to result in an absent or disrupted protein product. Loss-of-function variants in ITGB4 are known to be pathogenic (PMID: 11328943, 16473856). This variant is not present in population databases (gnomAD no frequency). This variant has not been reported in the literature in individuals affected with ITGB4-related conditions. For these reasons, this variant has been classified as Pathogenic.

Literature cited by the submitters: PubMed 11328943; PubMed 16473856.

NM_000213.5(ITGB4):c.1679dup (p.Gln561fs)

Gene: ITGB4 (integrin subunit beta 4; plus strand). Cytogenetic location: 17q25.1.
Variant type: Duplication.
Coding change: c.1679dup on transcript NM_000213.5 (MANE Select); coding-DNA position 1679, one base duplicated (G; older notation c.1679dupG).
Protein change: p.Gln561fs; shifts the reading frame from glutamine 561.
Molecular consequence: frameshift variant.
Genome position (GRCh38, 1-based): chr17:75,736,072, G duplicated; the last of 3 consecutive G bases (chr17:75,736,070-75,736,072); duplicating any one gives the same sequence. VCF-style (leftmost placement, unchanged base first): chr17-75736069-T-TG. GRCh37 (hg19) VCF-style: chr17-73732150-T-TG.
Other names: c.1679dup, p.Gln561Profs (NM_001005619.2); c.1679dup, p.Gln561fs (NM_001005731.3, NM_001321123.2); short protein forms Q561fs.
Identifiers: ClinVar variation 2844249 (VCV002844249.3), dbSNP rs2545765192, ClinGen allele CA2739265739.
Genomic context (GRCh38, chr17:75,736,069, plus strand): 5'-ACAGATGTAGCTCTCATCTCCCTTCCTTGTCCCTCTCTGCAGACCGAGGACGCTGCTCCA[T>TG]GGGCCAGTGTGTGTGTGAGCCTGGTTGGACAGGCCCAAGCTGTGACTGTCCCCTCAGCAA-3'